The following is an entry in ClinVar:

NM_000426.4(LAMA2):c.5530C>T (p.Arg1844Cys)

Gene: LAMA2 (laminin subunit alpha 2; plus strand). Cytogenetic location: 6q22.33.
Variant type: single nucleotide variant.
Coding change: c.5530C>T on transcript NM_000426.4 (MANE Select); coding-DNA position 5530, C replaced by T.
Protein change: p.Arg1844Cys; replaces arginine 1844 with cysteine.
Molecular consequence: missense variant.
Genome position (GRCh38, 1-based): chr6:129,401,308, C>T. VCF-style: chr6-129401308-C-T. GRCh37 (hg19) VCF-style: chr6-129722453-C-T.
Other names: p.Arg1844Cys; c.5530C>T, p.Arg1844Cys (NM_001079823.2); short protein forms R1844C.
Identifiers: ClinVar variation 374557 (VCV000374557.22), dbSNP rs56173620, ClinGen allele CA3993905.

ClinVar aggregate classification (germline): Conflicting classifications of pathogenicity. Review status: criteria provided, conflicting classifications (1 of 4 stars). 7 submissions from 7 submitters: Uncertain significance (4); Likely benign (2). 1 of the submissions does not count toward it. Last evaluated 2026-01-20.

Conditions:
LAMA2-related disorder. Also called: LAMA2-related disorders; LAMA2-related condition.
LAMA2-related muscular dystrophy (LAMA2-RD). Also called: Laminin alpha 2-related dystrophy. Identifiers: MedGen C5679788, MONDO:0100228.
Congenital muscular dystrophy due to partial LAMA2 deficiency. Identifiers: MedGen C1842898.

Allele frequency attached by ClinVar (database versions not stated): 1000 Genomes Project 30x 0.00031; 1000 Genomes Project 0.00040.
gnomAD v4.1: 653 of 1,610,916 alleles (0.041%); highest among the groups gnomAD compares: Admixed American, 0.2%; no homozygotes.

Submissions (7):

Labcorp Genetics (formerly Invitae), Labcorp
Classification: Likely benign for LAMA2-related muscular dystrophy. Last evaluated: 2026-01-20. Review status: criteria provided, single submitter. Criteria: Invitae Variant Classification Sherloc (09022015). Collection method: clinical testing. Allele origin: germline.

Mayo Clinic Laboratories, Mayo Clinic
Classification: Uncertain significance. Last evaluated: 2024-10-15. Review status: criteria provided, single submitter. Criteria: ACMG Guidelines, 2015. Collection method: clinical testing. Allele origin: germline. Observed: 2 variant alleles.
Comment: BP4

Blueprint Genetics
Classification: Uncertain significance. Last evaluated: 2023-09-06. Review status: criteria provided, single submitter. Criteria: ACMG Guidelines, 2015. Collection method: clinical testing. Allele origin: germline.

Illumina Laboratory Services, Illumina
Classification: Likely benign for Congenital muscular dystrophy due to partial LAMA2 deficiency. Last evaluated: 2017-04-27. Review status: criteria provided, single submitter. Criteria: ICSL Variant Classification Criteria 13 December 2019. Collection method: clinical testing. Allele origin: germline.
Comment: This variant was observed as part of a predisposition screen in an ostensibly healthy population. A literature search was performed for the gene, cDNA change, and amino acid change (where applicable). No publications were found based on this search. Allele frequency data from public databases allowed determination this variant is unlikely to cause disease. Therefore, this variant is classified as likely benign.

GeneDx
Classification: Uncertain significance. Last evaluated: 2017-04-21. Review status: criteria provided, single submitter. Criteria: GeneDx Variant Classification (06012015). Collection method: clinical testing. Allele origin: germline. Affected: yes.
Comment: A variant of uncertain significance has been identified in the LAMA2 gene. The R1844C variant has not been published as a pathogenic variant, nor has it been reported as a benign variant to our knowledge. The R1844C variant is observed in 30/11,508 (0.3%) alleles from individuals of Latino background, in the ExAC dataset (Lek et al., 2016; 1000 Genomes Consortium et al., 2015; Exome Variant Server). The R1844C variant is a non-conservative amino acid substitution, which is likely to impact secondary protein structure as these residues differ in polarity, charge, size and/or other properties. Additionally, this substitution occurs at a position that is conserved in mammals. However, in silico analysis is inconsistent in its predictions as to whether or not the variant is damaging to the protein structure/function. Therefore, based on the currently available information, it is unclear whether this variant is a pathogenic variant or a rare benign variant.

CeGaT Center for Human Genetics Tuebingen
Classification: Uncertain significance. Last evaluated: 2016-08-31. Review status: criteria provided, single submitter. Criteria: Praxis fuer Humangenetik Tuebingen - Variant Classification Criteria. Collection method: clinical testing. Allele origin: germline. Affected: yes. Observed: 1 variant allele.

PreventionGenetics, part of Exact Sciences
Classification: Likely benign for LAMA2-related condition. Last evaluated: 2022-02-23. Review status: no assertion criteria provided. Collection method: clinical testing. Allele origin: germline. Not counted in ClinVar's aggregate classification.
Comment: This variant is classified as likely benign based on ACMG/AMP sequence variant interpretation guidelines (Richards et al. 2015 PMID: 25741868, with internal and published modifications).